The following is an entry in ClinVar:

NM_015231.3(NUP160):c.3510T>G (p.Val1170=)

Gene: NUP160 (nucleoporin 160; minus strand). Cytogenetic location: 11p11.2.
Variant type: single nucleotide variant.
Coding change: c.3510T>G on transcript NM_015231.3 (MANE Select); coding-DNA position 3510, T replaced by G.
Protein change: p.Val1170=; no amino-acid change (valine 1170 retained).
Molecular consequence: synonymous variant. On other transcripts: non-coding transcript variant (1).
Genome position (GRCh38, 1-based): chr11:47,788,511, A>C on the plus strand (T>G on the coding strand, the complement: NUP160 is on the minus strand). VCF-style: chr11-47788511-A-C. GRCh37 (hg19) VCF-style: chr11-47810063-A-C.
Identifiers: ClinVar variation 3036144 (VCV003036144.2), dbSNP rs1213235579, ClinGen allele CA474235692.

ClinVar aggregate classification (germline): Likely benign (0 of 4 stars; one submission).

Conditions:
NUP160-related disorder. Also called: NUP160-related condition.

Allele frequency attached by ClinVar (database versions not stated): TOPMed 0.00001.

Submission:

PreventionGenetics, part of Exact Sciences
Classification: Likely benign for NUP160-related condition. Last evaluated: 2022-12-19. Review status: no assertion criteria provided. Collection method: clinical testing. Allele origin: germline.
Comment: This variant is classified as likely benign based on ACMG/AMP sequence variant interpretation guidelines (Richards et al. 2015 PMID: 25741868, with internal and published modifications).